The following is an entry in ClinVar:

ClinVar aggregate classification (germline): Uncertain significance (1 of 4 stars; one submission).

Submission:

GeneDx
Classification: Uncertain significance. Last evaluated: 2026-08-19. Review status: criteria provided, single submitter. Criteria: GeneDx Variant Classification Process June 2021. Collection method: clinical testing. Allele origin: germline.
Comment: Not observed at significant frequency in large population cohorts (gnomAD); In silico analysis supports that this missense variant has a deleterious effect on protein structure/function; Has not been previously published as pathogenic or benign to our knowledge

NM_001375524.1(TRRAP):c.724A>G (p.Asn242Asp)

Gene: TRRAP (transformation/transcription domain associated protein; plus strand). Cytogenetic location: 7q22.1.
Variant type: single nucleotide variant.
Coding change: c.724A>G on transcript NM_001375524.1 (MANE Select); coding-DNA position 724, A replaced by G.
Protein change: p.Asn242Asp; replaces asparagine 242 with aspartic acid.
Molecular consequence: missense variant.
Genome position (GRCh38, 1-based): chr7:98,899,691, A>G. VCF-style: chr7-98899691-A-G. GRCh37 (hg19) VCF-style: chr7-98497314-A-G.
Other names: c.724A>G, p.Asn242Asp (NM_001244580.2, NM_003496.4); short protein forms N242D.
Identifiers: ClinVar variation 2499422 (VCV002499422.2), dbSNP rs2484680496, ClinGen allele CA368280259.
Genomic context (GRCh38, chr7:98,899,691, plus strand): 5'-GCCATAGCAGAGTGTCAATGTATGAAAATCTGGTATGTTTGCTTTTAGCTCTACAAACTG[A>G]ACATCCACAATGTTGTTGCTGAGTTTGTGCCCTTGATCATGAACACCATTGCCATTCAGG-3'
Protein context (NP_001362453.1, residues 232-252): VVLMYQLYKL[Asn242Asp]IHNVVAEFVP